The following is an entry in ClinVar:

ClinVar aggregate classification (germline): Uncertain significance (1 of 4 stars; one submission).

Allele frequency attached by ClinVar (database versions not stated): TOPMed below 0.00001; ESP Exome Variant Server 0.00008.
gnomAD v4.1: 17 of 1,612,426 alleles (0.0011%); highest among the groups gnomAD compares: Non-Finnish European, 0.0013%; no homozygotes.

Submission:

Labcorp Genetics (formerly Invitae), Labcorp
Classification: Uncertain significance. Last evaluated: 2023-03-21. Review status: criteria provided, single submitter. Criteria: Invitae Variant Classification Sherloc (09022015). Collection method: clinical testing. Allele origin: germline.
Comment: In summary, the available evidence is currently insufficient to determine the role of this variant in disease. Therefore, it has been classified as a Variant of Uncertain Significance. Advanced modeling of protein sequence and biophysical properties (such as structural, functional, and spatial information, amino acid conservation, physicochemical variation, residue mobility, and thermodynamic stability) performed at Invitae indicates that this missense variant is not expected to disrupt CNNM2 protein function. This variant has not been reported in the literature in individuals affected with CNNM2-related conditions. This variant is present in population databases (rs368608994, gnomAD 0.006%). This sequence change replaces leucine, which is neutral and non-polar, with methionine, which is neutral and non-polar, at codon 160 of the CNNM2 protein (p.Leu160Met).

NM_017649.5(CNNM2):c.478T>A (p.Leu160Met)

Genes: CNNM2 (cyclin and CBS domain divalent metal cation transport mediator 2; plus strand), LOC130004628 (ATAC-STARR-seq lymphoblastoid silent region 2775; plus strand). Cytogenetic location: 10q24.32.
Variant type: single nucleotide variant.
Coding change: c.478T>A on transcript NM_017649.5 (MANE Select); coding-DNA position 478, T replaced by A.
Protein change: p.Leu160Met; replaces leucine 160 with methionine.
Molecular consequence: missense variant.
Genome position (GRCh38, 1-based): chr10:102,918,958, T>A. VCF-style: chr10-102918958-T-A. GRCh37 (hg19) VCF-style: chr10-104678715-T-A.
Other names: c.478T>A, p.Leu160Met (NM_199076.3, NM_199077.3); short protein forms L160M.
Identifiers: ClinVar variation 2889460 (VCV002889460.3), dbSNP rs368608994, ClinGen allele CA5670282.